The following is an entry in ClinVar:

NM_177972.3(TUB):c.181G>A (p.Ala61Thr)

Gene: TUB (TUB bipartite transcription factor; plus strand). Cytogenetic location: 11p15.4.
Variant type: single nucleotide variant.
Coding change: c.181G>A on transcript NM_177972.3 (MANE Select); coding-DNA position 181, G replaced by A.
Protein change: p.Ala61Thr; replaces alanine 61 with threonine.
Molecular consequence: missense variant.
Genome position (GRCh38, 1-based): chr11:8,090,159, G>A. VCF-style: chr11-8090159-G-A. GRCh37 (hg19) VCF-style: chr11-8111706-G-A.
Other names: c.199G>A, p.Ala67Thr (NM_001440538.1, NM_001440539.1, NM_001440540.1 and 1 more transcripts); c.181G>A, p.Ala61Thr (NM_001440541.1); c.346G>A, p.Ala116Thr (NM_003320.5); short protein forms A116T, A61T, A67T.
Identifiers: ClinVar variation 4994579 (VCV004994579.1).

ClinVar aggregate classification (germline): Uncertain significance (1 of 4 stars; one submission).

Conditions:
TUB-related disorder. Also called: TUB-related condition.

gnomAD v4.1: 1 of 1,613,602 alleles (0.000062%); no homozygotes.

Submission:

PreventionGenetics, part of Exact Sciences
Classification: Uncertain significance for TUB-related condition. Last evaluated: 2026-09-03. Review status: criteria provided, single submitter. Criteria: ACMG Guidelines, 2015. Collection method: clinical testing. Allele origin: germline.
Comment: The TUB c.346G>A variant is predicted to result in the amino acid substitution p.Ala116Thr. To our knowledge, this variant has not been reported in the literature or in a large population database (gnomAD), indicating this variant is rare. At this time, the clinical significance of this variant is uncertain due to the absence of conclusive functional and genetic evidence.